The following is an entry in ClinVar:

NM_006514.4(SCN10A):c.471-111A>G

Gene: SCN10A (sodium voltage-gated channel alpha subunit 10; minus strand). Cytogenetic location: 3p22.2.
Variant type: single nucleotide variant.
Coding change: c.471-111A>G on transcript NM_006514.4 (MANE Select); 111 bases into the intron before coding-DNA position 471, A replaced by G.
Molecular consequence: intron variant.
Genome position (GRCh38, 1-based): chr3:38,771,518, T>C on the plus strand (A>G on the coding strand, the complement: SCN10A is on the minus strand). VCF-style: chr3-38771518-T-C. GRCh37 (hg19) VCF-style: chr3-38813009-T-C.
Other names: c.471-111A>G (NM_001293307.2, NM_001293306.2).
Identifiers: ClinVar variation 670898 (VCV000670898.2), dbSNP rs62244081, ClinGen allele CA15234717.

ClinVar aggregate classification (germline): Benign. Review status: criteria provided, multiple submitters, no conflicts (2 of 4 stars). 2 submissions from 2 submitters: Benign (2). Last evaluated 2018-06-19.

Allele frequency attached by ClinVar (database versions not stated): TOPMed 0.21881; gnomAD 0.22654 and 0.22857; 1000 Genomes Project 30x 0.22689; 1000 Genomes Project 0.23063; gnomAD exomes 0.24423.
gnomAD v4.1: 255,634 of 1,057,178 alleles (24%); highest among the groups gnomAD compares: East Asian, 43%; 33,495 homozygotes.

Submissions (2):

GeneDx
Classification: Benign. Last evaluated: 2018-06-19. Review status: criteria provided, single submitter. Criteria: GeneDx Variant Classification (06012015). Collection method: clinical testing. Allele origin: germline. Affected: yes.
Comment: This variant is considered likely benign or benign based on one or more of the following criteria: it is a conservative change, it occurs at a poorly conserved position in the protein, it is predicted to be benign by multiple in silico algorithms, and/or has population frequency not consistent with disease.

Breakthrough Genomics
Classification: Benign. Review status: criteria provided, single submitter. Criteria: ACMG Guidelines, 2015. Collection method: not provided. Allele origin: germline. Inheritance: Autosomal dominant inheritance. Affected: yes.